The following is an entry in ClinVar:

NM_001035.3(RYR2):c.1913C>T (p.Pro638Leu)

Gene: RYR2 (ryanodine receptor 2; plus strand). Cytogenetic location: 1q43.
Variant type: single nucleotide variant.
Coding change: c.1913C>T on transcript NM_001035.3 (MANE Select); coding-DNA position 1913, C replaced by T.
Protein change: p.Pro638Leu; replaces proline 638 with leucine.
Molecular consequence: missense variant.
Genome position (GRCh38, 1-based): chr1:237,493,039, C>T. VCF-style: chr1-237493039-C-T. GRCh37 (hg19) VCF-style: chr1-237656339-C-T.
Other names: short protein forms P638L.
Identifiers: ClinVar variation 5017254 (VCV005017254.1).

ClinVar aggregate classification (germline): Uncertain significance (1 of 4 stars; one submission).

Submission:

GeneDx
Classification: Uncertain significance. Last evaluated: 2026-03-23. Review status: criteria provided, single submitter. Criteria: GeneDx Variant Classification Process June 2021. Collection method: clinical testing. Allele origin: germline.
Comment: Not observed at significant frequency in large population cohorts (gnomAD); In silico analysis supports that this missense variant has a deleterious effect on protein structure/function; Has not been previously published as pathogenic or benign to our knowledge; Not located in one of the three hot-spot regions of the RYR2 gene, where the majority of pathogenic missense variants occur (PMID: 19926015); This variant is associated with the following publications: (PMID: 19926015)